The following is an entry in ClinVar:

ClinVar aggregate classification (germline): Uncertain significance (1 of 4 stars; one submission).

Conditions:
Glycogen storage disease type III (GSD3). Also called: Cori disease; FORBES DISEASE. Identifiers: Orphanet 366, MedGen C0017922, MONDO:0009291, OMIM 232400.

Submission:

Labcorp Genetics (formerly Invitae), Labcorp
Classification: Uncertain significance for Glycogen storage disease type III. Last evaluated: 2023-11-27. Review status: criteria provided, single submitter. Criteria: Invitae Variant Classification Sherloc (09022015). Collection method: clinical testing. Allele origin: germline.
Comment: This sequence change creates a premature translational stop signal (p.Trp1520*) in the AGL gene. While this is not anticipated to result in nonsense mediated decay, it is expected to disrupt the last 13 amino acid(s) of the AGL protein. This variant is not present in population databases (gnomAD no frequency). This variant has not been reported in the literature in individuals affected with AGL-related conditions. ClinVar contains an entry for this variant (Variation ID: 1519159). Experimental studies and prediction algorithms are not available or were not evaluated, and the functional significance of this variant is currently unknown. In summary, the available evidence is currently insufficient to determine the role of this variant in disease. Therefore, it has been classified as a Variant of Uncertain Significance.

NM_000642.3(AGL):c.4559G>A (p.Trp1520Ter)

Gene: AGL (amylo-alpha-1,6-glucosidase and 4-alpha-glucanotransferase; plus strand). Cytogenetic location: 1p21.2.
Variant type: single nucleotide variant.
Coding change: c.4559G>A on transcript NM_000642.3 (MANE Select); coding-DNA position 4559, G replaced by A.
Protein change: p.Trp1520Ter; replaces tryptophan 1520 with a stop codon.
Molecular consequence: nonsense.
Genome position (GRCh38, 1-based): chr1:99,921,611, G>A. VCF-style: chr1-99921611-G-A. GRCh37 (hg19) VCF-style: chr1-100387167-G-A.
Other names: c.4559G>A, p.Trp1520Ter (NM_000028.3, NM_000643.3, NM_000644.3 and 1 more transcripts); c.4511G>A, p.Trp1504Ter (NM_000646.3); c.4538G>A, p.Trp1513Ter (NM_001425326.1); c.4358G>A, p.Trp1453Ter (NM_001425327.1); c.4355G>A, p.Trp1452Ter (NM_001425328.1); c.4220G>A, p.Trp1407Ter (NM_001425329.1); c.4181G>A, p.Trp1394Ter (NM_001425332.1); short protein forms W1504*, W1520*, W1394*, W1407*, W1452*, W1453*, W1513*.
Identifiers: ClinVar variation 1519159 (VCV001519159.4), dbSNP rs2100902013, ClinGen allele CA341343830.